The following is an entry in ClinVar:

ClinVar aggregate classification (germline): Conflicting classifications of pathogenicity. Review status: criteria provided, conflicting classifications (1 of 4 stars). 2 submissions from 2 submitters: Uncertain significance (1); Likely benign (1). Last evaluated 2025-04-01.

Allele frequency attached by ClinVar (database versions not stated): TOPMed 0.00048; gnomAD 0.00036; 1000 Genomes Project 30x 0.00062; ExAC 0.00019; gnomAD exomes 0.00006; 1000 Genomes Project 0.00040; ESP Exome Variant Server 0.00062.
gnomAD v4.1: 142 of 1,610,124 alleles (0.0088%); highest among the groups gnomAD compares: African/African-American, 0.14%; no homozygotes.

Submissions (2):

Labcorp Genetics (formerly Invitae), Labcorp
Classification: Uncertain significance. Last evaluated: 2025-04-01. Review status: criteria provided, single submitter. Criteria: Invitae Variant Classification Sherloc (09022015). Collection method: clinical testing. Allele origin: germline.
Comment: This sequence change replaces alanine, which is neutral and non-polar, with threonine, which is neutral and polar, at codon 274 of the NUP62 protein (p.Ala274Thr). This variant is present in population databases (rs146715494, gnomAD 0.1%), and has an allele count higher than expected for a pathogenic variant. This variant has not been reported in the literature in individuals affected with NUP62-related conditions. ClinVar contains an entry for this variant (Variation ID: 2040770). An algorithm developed to predict the effect of missense changes on protein structure and function outputs the following: PolyPhen-2: "Benign". The threonine amino acid residue is found in multiple mammalian species, which suggests that this missense change does not adversely affect protein function. In summary, the available evidence is currently insufficient to determine the role of this variant in disease. Therefore, it has been classified as a Variant of Uncertain Significance.

Ambry Genetics
Classification: Likely benign. Last evaluated: 2021-10-20. Review status: criteria provided, single submitter. Criteria: Ambry Variant Classification Scheme 2023. Collection method: clinical testing. Allele origin: germline.

NM_016553.5(NUP62):c.820G>A (p.Ala274Thr)

Genes: IL4I1 (interleukin 4 induced 1; minus strand), NUP62 (nucleoporin 62; minus strand). Cytogenetic location: 19q13.33.
Variant type: single nucleotide variant.
Coding change: c.820G>A on transcript NM_016553.5 (MANE Select); coding-DNA position 820, G replaced by A.
Protein change: p.Ala274Thr; replaces alanine 274 with threonine.
Molecular consequence: missense variant. On other transcripts: intron variant (3).
Genome position (GRCh38, 1-based): chr19:49,908,988, C>T on the plus strand (G>A on the coding strand, the complement: NUP62 is on the minus strand). VCF-style: chr19-49908988-C-T. GRCh37 (hg19) VCF-style: chr19-50412245-C-T.
Other names: c.820G>A, p.Ala274Thr (NM_001193357.2, NM_012346.5, NM_153718.4 and 1 more transcripts); c.-227-4667G>A (NM_001258017.2, NM_172374.3); c.-285-4667G>A (NM_001258018.2); short protein forms A274T.
Identifiers: ClinVar variation 2040770 (VCV002040770.3), dbSNP rs146715494, ClinGen allele CA9589037.